The following is an entry in ClinVar:

NM_024577.4(SH3TC2):c.1448T>G (p.Phe483Cys)

Gene: SH3TC2 (SH3 domain and tetratricopeptide repeats 2; minus strand). Cytogenetic location: 5q32.
Variant type: single nucleotide variant.
Coding change: c.1448T>G on transcript NM_024577.4 (MANE Select); coding-DNA position 1448, T replaced by G.
Protein change: p.Phe483Cys; replaces phenylalanine 483 with cysteine.
Molecular consequence: missense variant.
Genome position (GRCh38, 1-based): chr5:149,028,284, A>C on the plus strand (T>G on the coding strand, the complement: SH3TC2 is on the minus strand). VCF-style: chr5-149028284-A-C. GRCh37 (hg19) VCF-style: chr5-148407847-A-C.
Other names: short protein forms F483C.
Identifiers: ClinVar variation 1495276 (VCV001495276.6), dbSNP rs751644174, ClinGen allele CA3499173.

ClinVar aggregate classification (germline): Uncertain significance (1 of 4 stars; one submission).

Conditions:
Charcot-Marie-Tooth disease type 4. Also called: Charcot-Marie-Tooth disease, type IV; Charcot-Marie-Tooth, Type 4. Identifiers: Orphanet 64749, MedGen C4082197, MONDO:0018995.

Allele frequency attached by ClinVar (database versions not stated): gnomAD exomes 0.00001; TOPMed 0.00001; ExAC 0.00002.
gnomAD v4.1: 4 of 1,613,970 alleles (0.00025%); highest among the groups gnomAD compares: Admixed American, 0.0067%; no homozygotes.

Submission:

Labcorp Genetics (formerly Invitae), Labcorp
Classification: Uncertain significance for Charcot-Marie-Tooth disease type 4. Last evaluated: 2021-08-10. Review status: criteria provided, single submitter. Criteria: Invitae Variant Classification Sherloc (09022015). Collection method: clinical testing. Allele origin: germline.
Comment: In summary, the available evidence is currently insufficient to determine the role of this variant in disease. Therefore, it has been classified as a Variant of Uncertain Significance. Algorithms developed to predict the effect of sequence changes on RNA splicing suggest that this variant may create or strengthen a splice site. Advanced modeling of protein sequence and biophysical properties (such as structural, functional, and spatial information, amino acid conservation, physicochemical variation, residue mobility, and thermodynamic stability) performed at Invitae indicates that this missense variant is not expected to disrupt SH3TC2 protein function. This variant has not been reported in the literature in individuals affected with SH3TC2-related conditions. This variant is present in population databases (rs751644174, ExAC 0.02%). This sequence change replaces phenylalanine with cysteine at codon 483 of the SH3TC2 protein (p.Phe483Cys). The phenylalanine residue is highly conserved and there is a large physicochemical difference between phenylalanine and cysteine.